The following is an entry in ClinVar:

ClinVar aggregate classification (germline): Benign (1 of 4 stars; one submission).

Allele frequency attached by ClinVar (database versions not stated): gnomAD exomes 0.25200; gnomAD 0.29234 and 0.29398; TOPMed 0.30516; 1000 Genomes Project 0.35403; 1000 Genomes Project 30x 0.35603.

Submission:

GeneDx
Classification: Benign. Last evaluated: 2018-06-14. Review status: criteria provided, single submitter. Criteria: GeneDx Variant Classification (06012015). Collection method: clinical testing. Allele origin: germline. Affected: yes.
Comment: This variant is considered likely benign or benign based on one or more of the following criteria: it is a conservative change, it occurs at a poorly conserved position in the protein, it is predicted to be benign by multiple in silico algorithms, and/or has population frequency not consistent with disease.

NM_001127222.2(CACNA1A):c.1555+162G>A

Gene: CACNA1A (calcium voltage-gated channel subunit alpha1 A; minus strand). Cytogenetic location: 19p13.13.
Variant type: single nucleotide variant.
Coding change: c.1555+162G>A on transcript NM_001127222.2 (MANE Select); 162 bases into the intron after coding-DNA position 1555, G replaced by A.
Molecular consequence: intron variant.
Genome position (GRCh38, 1-based): chr19:13,316,950, C>T on the plus strand (G>A on the coding strand, the complement: CACNA1A is on the minus strand). VCF-style: chr19-13316950-C-T. GRCh37 (hg19) VCF-style: chr19-13427764-C-T.
Other names: c.1558+162G>A (NM_001127221.2, NM_001174080.2, NM_000068.4 and 1 more transcripts).
Identifiers: ClinVar variation 678172 (VCV000678172.1), dbSNP rs2292036, ClinGen allele CA15958879.